The following is an entry in ClinVar:

NM_002582.4(PARN):c.830T>G (p.Ile277Ser)

Gene: PARN (poly(A)-specific ribonuclease; minus strand). Cytogenetic location: 16p13.12.
Variant type: single nucleotide variant.
Coding change: c.830T>G on transcript NM_002582.4 (MANE Select); coding-DNA position 830, T replaced by G.
Protein change: p.Ile277Ser; replaces isoleucine 277 with serine.
Molecular consequence: missense variant.
Genome position (GRCh38, 1-based): chr16:14,599,914, A>C on the plus strand (T>G on the coding strand, the complement: PARN is on the minus strand). VCF-style: chr16-14599914-A-C. GRCh37 (hg19) VCF-style: chr16-14693771-A-C.
Other names: c.647T>G, p.Ile216Ser (NM_001134477.3); c.692T>G, p.Ile231Ser (NM_001242992.2); short protein forms I231S, I216S, I277S.
Identifiers: ClinVar variation 2949346 (VCV002949346.3), dbSNP rs2508122780, ClinGen allele CA394806351.

ClinVar aggregate classification (germline): Uncertain significance (1 of 4 stars; one submission).

Conditions:
Dyskeratosis congenita, autosomal recessive 6 (DKCB6). Identifiers: MedGen C4225356, MONDO:0014600, OMIM 616353.
Pulmonary fibrosis and/or bone marrow failure, Telomere-related, 4. Also called: PULMONARY FIBROSIS AND/OR BONE MARROW FAILURE SYNDROME, TELOMERE-RELATED, 4. Identifiers: Orphanet 2032, MedGen C4225347, MONDO:0014612, OMIM 616371.

Submission:

Labcorp Genetics (formerly Invitae), Labcorp
Classification: Uncertain significance for Dyskeratosis congenita, autosomal recessive 6; Pulmonary fibrosis and/or bone marrow failure, Telomere-related, 4. Last evaluated: 2023-06-27. Review status: criteria provided, single submitter. Criteria: Invitae Variant Classification Sherloc (09022015). Collection method: clinical testing. Allele origin: germline.
Comment: This sequence change replaces isoleucine, which is neutral and non-polar, with serine, which is neutral and polar, at codon 277 of the PARN protein (p.Ile277Ser). This variant is not present in population databases (gnomAD no frequency). This variant has not been reported in the literature in individuals affected with PARN-related conditions. Advanced modeling of protein sequence and biophysical properties (such as structural, functional, and spatial information, amino acid conservation, physicochemical variation, residue mobility, and thermodynamic stability) performed at Invitae indicates that this missense variant is expected to disrupt PARN protein function. In summary, the available evidence is currently insufficient to determine the role of this variant in disease. Therefore, it has been classified as a Variant of Uncertain Significance.